The following is an entry in ClinVar:

NM_002184.4(IL6ST):c.283G>A (p.Ala95Thr)

Gene: IL6ST (interleukin 6 cytokine family signal transducer; minus strand). Cytogenetic location: 5q11.2.
Variant type: single nucleotide variant.
Coding change: c.283G>A on transcript NM_002184.4 (MANE Select); coding-DNA position 283, G replaced by A.
Protein change: p.Ala95Thr; replaces alanine 95 with threonine.
Molecular consequence: missense variant. On other transcripts: 5 prime UTR variant (3), non-coding transcript variant (2), intron variant (1).
Genome position (GRCh38, 1-based): chr5:55,969,637, C>T on the plus strand (G>A on the coding strand, the complement: IL6ST is on the minus strand). VCF-style: chr5-55969637-C-T. GRCh37 (hg19) VCF-style: chr5-55265465-C-T.
Other names: c.283G>A, p.Ala95Thr (NM_001190981.2, NM_001364275.2, NM_175767.3); c.-510G>A (NM_001364277.2, NM_001364279.2); c.-500G>A (NM_001364278.2); c.160+123G>A (NM_001364276.2); short protein forms A95T.
Identifiers: ClinVar variation 1437640 (VCV001437640.9), dbSNP rs142583572, ClinGen allele CA3271737.

ClinVar aggregate classification (germline): Uncertain significance. Review status: criteria provided, multiple submitters, no conflicts (2 of 4 stars). 2 submissions from 2 submitters: Uncertain significance (2). Last evaluated 2026-01-11.

Conditions:
Hyper-IgE recurrent infection syndrome 4, autosomal recessive. Also called: HYPER-IgE RECURRENT INFECTION SYNDROME 4B, AUTOSOMAL RECESSIVE; HYPER-IgE SYNDROME 4B, AUTOSOMAL RECESSIVE, WITH RECURRENT INFECTIONS. Identifiers: MedGen C5193141, MONDO:0032796, OMIM 618523.
Stuve-Wiedemann syndrome 2. Also called: Stüve-Wiedemann syndrome 2. Identifiers: MedGen C5676919, MONDO:0030756, OMIM 619751.
Immunodeficiency 94 with autoinflammation and dysmorphic facies (IMD94). Identifiers: MedGen C5676918, MONDO:0030681, OMIM 619750.
Hyper-IgE recurrent infection syndrome 4A, autosomal dominant (HIES4A). Also called: HYPER-IgE SYNDROME 4A, AUTOSOMAL DOMINANT, WITH RECURRENT INFECTIONS. Identifiers: MedGen C5676920, MONDO:0800131, OMIM 619752.

Allele frequency attached by ClinVar (database versions not stated): gnomAD exomes 0.00003 and 0.00008; ExAC 0.00013; gnomAD 0.00026 and 0.00031; TOPMed 0.00036; ESP Exome Variant Server 0.00046.
gnomAD v4.1: 87 of 1,612,272 alleles (0.0054%); highest among the groups gnomAD compares: African/African-American, 0.11%; no homozygotes.

Submissions (2):

Labcorp Genetics (formerly Invitae), Labcorp
Classification: Uncertain significance. Last evaluated: 2026-01-11. Review status: criteria provided, single submitter. Criteria: Invitae Variant Classification Sherloc (09022015). Collection method: clinical testing. Allele origin: germline.
Comment: This sequence change replaces alanine, which is neutral and non-polar, with threonine, which is neutral and polar, at codon 95 of the IL6ST protein (p.Ala95Thr). This variant is present in population databases (rs142583572, gnomAD 0.1%). This variant has not been reported in the literature in individuals affected with IL6ST-related conditions. ClinVar contains an entry for this variant (Variation ID: 1437640). An algorithm developed to predict the effect of missense changes on protein structure and function outputs the following: PolyPhen-2: "Benign". The threonine amino acid residue is found in multiple mammalian species, which suggests that this missense change does not adversely affect protein function. In summary, the available evidence is currently insufficient to determine the role of this variant in disease. Therefore, it has been classified as a Variant of Uncertain Significance.

Department of Pathology and Laboratory Medicine, Sinai Health System
Classification: Uncertain significance for Hyper-IgE recurrent infection syndrome 4, autosomal recessive; Immunodeficiency 94 with autoinflammation and dysmorphic facies; Stuve-Wiedemann syndrome 2; Hyper-IgE recurrent infection syndrome 4A, autosomal dominant. Last evaluated: 2021-07-30. Review status: criteria provided, single submitter. Criteria: ACMG Guidelines, 2015. Collection method: research. Allele origin: germline.